The following is an entry in ClinVar:

ClinVar aggregate classification (germline): Pathogenic (3 of 4 stars; one submission).

Conditions:
Creatine transporter deficiency (CCDS1). Also called: CEREBRAL CREATINE DEFICIENCY SYNDROME 1; Creatine Transporter (CRTR) Deficiency; Mental retardation , X-linked with seizures, short stature and midface hypoplasia; Mental retardation , X-linked, with creatine transport deficiency; X-linked creatine transporter deficiency; X-linked creatine deficiency syndrome. Identifiers: Orphanet 52503, MedGen C1845862, MONDO:0010305, OMIM 300352.

Submission:

ClinGen Cerebral Creatine Deficiency Syndromes Variant Curation Expert Panel, ClinGen
Classification: Pathogenic for Creatine transporter deficiency. Last evaluated: 2023-08-08. Review status: reviewed by expert panel. Criteria: ClinGen_CCDS_ACMG_Specifications_SLC6A8_v1.1. Collection method: curation. Allele origin: germline. Inheritance: X-linked inheritance.
Comment: The NM_005629.4:c.878_879del (p.Leu293GlnfsTer3) variant in SLC6A8 is a frameshift variant that is predicted to cause a premature stop codon in biologically-relevant-exon 5/13, leading to nonsense mediated decay in a gene in which loss-of-function is an established disease mechanism (PVS1). This variant is absent in gnomAD v2.1.1. (PM2_Supporting). In summary, this variant meets the criteria to be classified as pathogenic for X-linked creatine transporter deficiency. SLC6A8-specific ACMG/AMP criteria met, as specified by the ClinGen CCDS Variant Curation Expert Panel (Specifications Version 1.1.0): PVS1, PP4_Strong, PM2_Supporting. (Classification approved by the ClinGen CCDS VCEP, August 8, 2023)

NM_005629.4(SLC6A8):c.878_879del (p.Leu293fs)

Gene: SLC6A8 (solute carrier family 6 member 8; plus strand). Cytogenetic location: Xq28.
Variant type: Microsatellite.
Coding change: c.878_879del on transcript NM_005629.4 (MANE Select); coding-DNA positions 878 to 879, 2 bases deleted (TC; older notation c.878_879delTC).
Protein change: p.Leu293fs; shifts the reading frame from leucine 293.
Molecular consequence: frameshift variant.
Genome position (GRCh38, 1-based): chrX:153,693,141-153,693,142, TC deleted; deleting any 2 consecutive bases within chrX:153,693,139-153,693,142 gives the same sequence; the c. name uses the placement nearest the transcript's 3' end. VCF-style (leftmost placement, unchanged base first): chrX-153693138-ATC-A. GRCh37 (hg19) VCF-style: chrX-152958593-ATC-A.
Other names: NM_001142805.2:c.878_879del; c.878_879del, p.Leu293fs (NM_001142805.2); c.533_534del, p.Leu178fs (NM_001142806.1); short protein forms L178fs, L293fs.
Identifiers: ClinVar variation 2583100 (VCV002583100.1), dbSNP rs2522162098, ClinGen allele CA915940477.
Genomic context (GRCh38, chrX:153,693,138, plus strand): 5'-TGGTCGTGCTGCTGGTGCGTGGAGTGCTGCTGCCTGGCGCCCTGGATGGCATCATTTACT[ATC>A]TCAAGCCTGACTGGTCAAAGCTGGGGTCCCCTCAGGTGAGGTGGAGGTGGAGAGGCTGCA-3'